The following is an entry in ClinVar:

NM_001367624.2(ZNF469):c.5090T>C (p.Val1697Ala)

Gene: ZNF469 (zinc finger protein 469; plus strand). Cytogenetic location: 16q24.2.
Variant type: single nucleotide variant.
Coding change: c.5090T>C on transcript NM_001367624.2 (MANE Select); coding-DNA position 5090, T replaced by C.
Protein change: p.Val1697Ala; replaces valine 1697 with alanine.
Molecular consequence: missense variant.
Genome position (GRCh38, 1-based): chr16:88,432,560, T>C. VCF-style: chr16-88432560-T-C. GRCh37 (hg19) VCF-style: chr16-88498968-T-C.
Other names: short protein forms V1697A.
Identifiers: ClinVar variation 4704982 (VCV004704982.1).

ClinVar aggregate classification (germline): Uncertain significance (1 of 4 stars; one submission).

Submission:

Labcorp Genetics (formerly Invitae), Labcorp
Classification: Uncertain significance. Last evaluated: 2025-11-01. Review status: criteria provided, single submitter. Criteria: Invitae Variant Classification Sherloc (09022015). Collection method: clinical testing. Allele origin: germline.
Comment: This sequence change replaces valine, which is neutral and non-polar, with alanine, which is neutral and non-polar, at codon 1669 of the ZNF469 protein (p.Val1669Ala). This variant is not present in population databases (gnomAD no frequency). This variant has not been reported in the literature in individuals affected with ZNF469-related conditions. An algorithm developed to predict the effect of missense changes on protein structure and function outputs the following: PolyPhen-2: "Benign". The alanine amino acid residue is found in multiple mammalian species, which suggests that this missense change does not adversely affect protein function. In summary, the available evidence is currently insufficient to determine the role of this variant in disease. Therefore, it has been classified as a Variant of Uncertain Significance.